The following is an entry in ClinVar:

NM_001277115.2(DNAH11):c.8698C>T (p.Arg2900Ter)

Gene: DNAH11 (dynein axonemal heavy chain 11; plus strand). Cytogenetic location: 7p15.3.
Variant type: single nucleotide variant.
Coding change: c.8698C>T on transcript NM_001277115.2 (MANE Select); coding-DNA position 8698, C replaced by T.
Protein change: p.Arg2900Ter; replaces arginine 2900 with a stop codon.
Molecular consequence: nonsense.
Genome position (GRCh38, 1-based): chr7:21,749,702, C>T. VCF-style: chr7-21749702-C-T. GRCh37 (hg19) VCF-style: chr7-21789320-C-T.
Other names: R2907*; short protein forms R2900*.
Identifiers: ClinVar variation 36981 (VCV000036981.33), dbSNP rs368260932, ClinGen allele CA260569.

ClinVar aggregate classification (germline): Pathogenic. Review status: criteria provided, multiple submitters, no conflicts (2 of 4 stars). 11 submissions from 11 submitters: Pathogenic (10). 1 of the submissions does not count toward it. Last evaluated 2026-08-06.

Conditions:
DNAH11-related disorder. Also called: DNAH11-related condition.
DNAH11-related disorders.
Primary ciliary dyskinesia. Also called: Ciliary dyskinesia. Identifiers: Orphanet 244, MedGen C0008780, MONDO:0016575, HP:0012265.
Primary ciliary dyskinesia 7. Also called: CILIARY DYSKINESIA, PRIMARY, 7, WITH OR WITHOUT SITUS INVERSUS. Identifiers: Orphanet 244, MedGen C2678473, MONDO:0012748, OMIM 611884.

Allele frequency attached by ClinVar (database versions not stated): gnomAD exomes 0.00004; ExAC 0.00005; gnomAD 0.00008; TOPMed 0.00008; ESP Exome Variant Server 0.00024.
gnomAD v4.1: 214 of 1,613,570 alleles (0.013%); highest among the groups gnomAD compares: Non-Finnish European, 0.017%; no homozygotes.

Submissions (11):

GeneDx
Classification: Pathogenic. Last evaluated: 2026-08-06. Review status: criteria provided, single submitter. Criteria: GeneDx Variant Classification Process June 2021. Collection method: clinical testing. Allele origin: germline.
Comment: Nonsense variant predicted to result in protein truncation or nonsense mediated decay in a gene for which loss of function is a known mechanism of disease; This variant is associated with the following publications: (PMID: 26139845, 24450482, 22102620, 26909801, 31980526, Balinotti2026[article], 39536325, 40758541, 41827979)

PreventionGenetics, part of Exact Sciences
Classification: Pathogenic for DNAH11-related condition. Last evaluated: 2026-01-08. Review status: criteria provided, single submitter. Criteria: ACMG Guidelines, 2015. Collection method: clinical testing. Allele origin: germline.
Comment: The DNAH11 c.8698C>T variant is predicted to result in premature protein termination (p.Arg2900*). This variant has been reported in the compound heterozygous and homozygous state in individuals with primary ciliary dyskinesia (referred to as p. Arg2907* in Lucas et al. 2012. PubMed ID: 22102620; Boon et al. 2014. PubMed ID: 24450482; Dougherty et al. 2016. PubMed ID: 26909801). This variant is reported in 0.0094% of alleles in individuals of European (Non-Finnish) descent in gnomAD. Nonsense variants in DNAH11 are expected to be pathogenic. This variant is interpreted as pathogenic.

Ambry Genetics
Classification: Pathogenic for Primary ciliary dyskinesia. Last evaluated: 2025-12-22. Review status: criteria provided, single submitter. Criteria: Ambry Variant Classification Scheme 2023. Collection method: clinical testing. Allele origin: germline.
Comment: The c.8698C>T (p.R2900*) alteration, located in exon 53 (coding exon 53) of the DNAH11 gene, consists of a C to T substitution at nucleotide position 8698. This changes the amino acid from a arginine (R) to a stop codon at amino acid position 2900. This alteration is expected to result in loss of function by premature protein truncation or nonsense-mediated mRNA decay. Based on data from gnomAD, the T allele has an overall frequency of 0.005% (13/280318) total alleles studied. The highest observed frequency was 0.009% (12/128222) of European (non-Finnish) alleles. This variant has been identified in the homozygous state and/or in conjunction with other DNAH11 variant(s) in individual(s) with features consistent with DNAH11-related primary ciliary dyskinesia; in at least one instance, the variants were identified in trans (Lucas, 2012, Boon, 2014, Wheway, 2021). Based on the available evidence, this alteration is classified as pathogenic.

Labcorp Genetics (formerly Invitae), Labcorp
Classification: Pathogenic for Primary ciliary dyskinesia. Last evaluated: 2025-10-28. Review status: criteria provided, single submitter. Criteria: Invitae Variant Classification Sherloc (09022015). Collection method: clinical testing. Allele origin: germline.
Comment: This sequence change creates a premature translational stop signal (p.Arg2900*) in the DNAH11 gene. It is expected to result in an absent or disrupted protein product. Loss-of-function variants in DNAH11 are known to be pathogenic (PMID: 18022865, 20513915, 22184204). This variant is present in population databases (rs368260932, gnomAD 0.01%). This premature translational stop signal has been observed in individual(s) with primary ciliary dyskinesia (PMID: 22102620, 24450482, 26139845). This variant is also known as R2907X. ClinVar contains an entry for this variant (Variation ID: 36981). For these reasons, this variant has been classified as Pathogenic.

Victorian Clinical Genetics Services, Murdoch Childrens Research Institute
Classification: Pathogenic for Primary ciliary dyskinesia 7. Last evaluated: 2025-07-23. Review status: criteria provided, single submitter. Criteria: ACMG Guidelines, 2015. Collection method: clinical testing. Allele origin: germline. Affected: yes.
Comment: This variant is classified as Pathogenic. Evidence in support of pathogenic classification: Variant is predicted to cause nonsense-mediated decay (NMD) and loss of protein (premature termination codon is located at least 54 nucleotides upstream of the final exon-exon junction); Variant is present in gnomAD <0.01 for a recessive condition (v4: 214 heterozygote(s), 0 homozygote(s)); This variant has strong previous evidence of pathogenicity in unrelated individuals. This variant has been classified as pathogenic by multiple clinical laboratories in ClinVar; Other NMD-predicted variant(s) comparable to the one identified in this case have very strong previous evidence for pathogenicity (ClinVar). Additional information: This variant is heterozygous; This gene is associated with autosomal recessive disease; Loss of function is a known mechanism of disease in this gene and is associated with primary ciliary dyskinesia 7, with or without situs inversus (MIM#611884); Inheritance information for this variant is not currently available in this individual.

Women's Health and Genetics/Laboratory Corporation of America, LabCorp
Classification: Pathogenic for Primary ciliary dyskinesia 7. Last evaluated: 2025-07-09. Review status: criteria provided, single submitter. Criteria: LabCorp Variant Classification Summary - May 2015. Collection method: clinical testing. Allele origin: germline.
Comment: Variant summary: DNAH11 c.8698C>T (p.Arg2900X) results in a premature termination codon, predicted to cause a truncation of the encoded protein or absence of the protein due to nonsense mediated decay, which are commonly known mechanisms for disease. The variant allele was found at a frequency of 4.4e-05 in 248918 control chromosomes (gnomAD). This frequency is not significantly higher than estimated for a pathogenic variant in DNAH11 causing Primary Ciliary Dyskinesia 7, allowing no conclusion about variant significance. c.8698C>T has been observed in at least one individual affected with Primary Ciliary Dyskinesia 7 (Lucas_2012). To our knowledge, no experimental evidence demonstrating an impact on protein function has been reported. The following publication have been ascertained in the context of this evaluation (PMID: 22102620). ClinVar contains an entry for this variant (Variation ID: 36981). Based on the evidence outlined above, the variant was classified as pathogenic.

Blueprint Genetics
Classification: Pathogenic for DNAH11-related disorders. Last evaluated: 2024-09-12. Review status: criteria provided, single submitter. Criteria: ACMG Guidelines, 2015. Collection method: clinical testing. Allele origin: germline. Affected: yes. Observed: 3 variant alleles.

Fulgent Genetics
Classification: Pathogenic for Primary ciliary dyskinesia 7. Last evaluated: 2022-03-04. Review status: criteria provided, single submitter. Criteria: ACMG Guidelines, 2015. Collection method: clinical testing. Allele origin: unknown.

Johns Hopkins Genomics, Johns Hopkins University
Classification: Pathogenic for Primary ciliary dyskinesia 7. Last evaluated: 2020-10-20. Review status: criteria provided, single submitter. Criteria: ACMG Guidelines, 2015. Collection method: clinical testing. Allele origin: germline.
Comment: This nonsense variant results in a premature stop codon in exon 53, likely leading to nonsense-mediated decay and lack of protein production. DNAH11 c.8698C>T has been reported in numerous patients presenting with primary ciliary dyskinesia. This variant (rs368260932) is rare (<0.1%) in a large population dataset (gnomAD: 13/280318 total alleles; 0.005%; no homozygotes) and has been reported in ClinVar. We consider this variant to be pathogenic.

Institute of Human Genetics Munich, TUM University Hospital
Classification: Pathogenic for Primary ciliary dyskinesia 7. Last evaluated: 2020-01-16. Review status: criteria provided, single submitter. Criteria: Classification criteria August 2017. Collection method: clinical testing. Allele origin: germline. Inheritance: Autosomal recessive inheritance. Affected: yes. Observed: 1 compound heterozygote.

OMIM
Classification: Pathogenic for CILIARY DYSKINESIA, PRIMARY, 7. Last evaluated: 2012-03-01. Review status: no assertion criteria provided. Collection method: literature only. Allele origin: germline. Not counted in ClinVar's aggregate classification.

Literature cited by the submitters: PubMed 22102620 (cited by 5 submitters); PubMed 24450482 (cited by 3 submitters); PubMed 34556108 (cited by Ambry Genetics); PubMed 18022865 (cited by Labcorp Genetics (formerly Invitae), Labcorp); PubMed 20513915 (cited by Labcorp Genetics (formerly Invitae), Labcorp); PubMed 22184204 (cited by Labcorp Genetics (formerly Invitae), Labcorp); PubMed 26139845 (cited by Labcorp Genetics (formerly Invitae), Labcorp and Johns Hopkins Genomics, Johns Hopkins University); PubMed 26909801 (cited by Johns Hopkins Genomics, Johns Hopkins University).